The following is an entry in ClinVar:

NM_032228.6(FAR1):c.588G>C (p.Leu196Phe)

Gene: FAR1 (fatty acyl-CoA reductase 1; plus strand). Cytogenetic location: 11p15.3.
Variant type: single nucleotide variant.
Coding change: c.588G>C on transcript NM_032228.6 (MANE Select); coding-DNA position 588, G replaced by C.
Protein change: p.Leu196Phe; replaces leucine 196 with phenylalanine.
Molecular consequence: missense variant.
Genome position (GRCh38, 1-based): chr11:13,710,735, G>C. VCF-style: chr11-13710735-G-C. GRCh37 (hg19) VCF-style: chr11-13732282-G-C.
Other names: short protein forms L196F.
Identifiers: ClinVar variation 2820337 (VCV002820337.3), dbSNP rs2500132553, ClinGen allele CA379857239.

ClinVar aggregate classification (germline): Uncertain significance (1 of 4 stars; one submission).

Submission:

Labcorp Genetics (formerly Invitae), Labcorp
Classification: Uncertain significance. Last evaluated: 2022-12-12. Review status: criteria provided, single submitter. Criteria: Invitae Variant Classification Sherloc (09022015). Collection method: clinical testing. Allele origin: germline.
Comment: This sequence change replaces leucine, which is neutral and non-polar, with phenylalanine, which is neutral and non-polar, at codon 196 of the FAR1 protein (p.Leu196Phe). This variant is not present in population databases (gnomAD no frequency). This variant has not been reported in the literature in individuals affected with FAR1-related conditions. Advanced modeling of protein sequence and biophysical properties (such as structural, functional, and spatial information, amino acid conservation, physicochemical variation, residue mobility, and thermodynamic stability) performed at Invitae indicates that this missense variant is not expected to disrupt FAR1 protein function. In summary, the available evidence is currently insufficient to determine the role of this variant in disease. Therefore, it has been classified as a Variant of Uncertain Significance.